The following is an entry in ClinVar:

ClinVar aggregate classification (germline): Likely benign. Review status: criteria provided, multiple submitters, no conflicts (2 of 4 stars). 3 submissions from 3 submitters: Likely benign (3). Last evaluated 2026-09-01.

Allele frequency attached by ClinVar (database versions not stated): gnomAD 0.00001; gnomAD exomes 0.00001; TOPMed 0.00001; ExAC 0.00002.
gnomAD v4.1: 18 of 1,613,798 alleles (0.0011%); highest among the groups gnomAD compares: Middle Eastern, 0.034%; no homozygotes.

Submissions (3):

CeGaT Center for Human Genetics Tuebingen
Classification: Likely benign. Last evaluated: 2026-09-01. Review status: criteria provided, single submitter. Criteria: CeGaT Center For Human Genetics Tuebingen Variant Classification Criteria Version 2. Collection method: clinical testing. Allele origin: germline. Affected: yes. Observed: 1 variant allele.
Comment: NFKB1: BP4, BP7

Labcorp Genetics (formerly Invitae), Labcorp
Classification: Likely benign. Last evaluated: 2024-09-14. Review status: criteria provided, single submitter. Criteria: Invitae Variant Classification Sherloc (09022015). Collection method: clinical testing. Allele origin: germline.

Blueprint Genetics
Classification: Likely benign. Last evaluated: 2024-05-02. Review status: criteria provided, single submitter. Criteria: ACMG Guidelines, 2015. Collection method: clinical testing. Allele origin: germline.

NM_003998.4(NFKB1):c.2472A>G (p.Leu824=)

Gene: NFKB1 (nuclear factor kappa B subunit 1; plus strand). Cytogenetic location: 4q24.
Variant type: single nucleotide variant.
Coding change: c.2472A>G on transcript NM_003998.4 (MANE Select); coding-DNA position 2472, A replaced by G.
Protein change: p.Leu824=; no amino-acid change (leucine 824 retained).
Molecular consequence: synonymous variant.
Genome position (GRCh38, 1-based): chr4:102,612,486, A>G. VCF-style: chr4-102612486-A-G. GRCh37 (hg19) VCF-style: chr4-103533643-A-G.
Other names: c.2469A>G, p.Leu823= (NM_001165412.2, NM_001319226.2, NM_001382627.1); c.2472A>G, p.Leu824= (NM_001382625.1, NM_001382626.1); c.2430A>G, p.Leu810= (NM_001382628.1).
Identifiers: ClinVar variation 1608139 (VCV001608139.10), dbSNP rs774187856, ClinGen allele CA3026443.